The following is an entry in ClinVar:

NM_000540.3(RYR1):c.2237G>T (p.Cys746Phe)

Gene: RYR1 (ryanodine receptor 1; plus strand). Cytogenetic location: 19q13.2.
Variant type: single nucleotide variant.
Coding change: c.2237G>T on transcript NM_000540.3 (MANE Select); coding-DNA position 2237, G replaced by T.
Protein change: p.Cys746Phe; replaces cysteine 746 with phenylalanine.
Molecular consequence: missense variant.
Genome position (GRCh38, 1-based): chr19:38,459,215, G>T. VCF-style: chr19-38459215-G-T. GRCh37 (hg19) VCF-style: chr19-38949855-G-T.
Other names: c.2237G>T, p.Cys746Phe (NM_001042723.2); short protein forms C746F.
Identifiers: ClinVar variation 3072094 (VCV003072094.1), dbSNP rs763522041, ClinGen allele CA405627782.
Genomic context (GRCh38, chr19:38,459,215, plus strand): 5'-CACGCCCAGTGACTTCCCCAGGGCAGCACCTCCTGGCCCCTGAAGACGTGATCAGCTGCT[G>T]CCTGGACCTCAGCGTGCCGTCCATCTCCTTCCGCATCAACGGCTGCCCCGTGCAGGGTGT-3'
Protein context (NP_000531.2, residues 736-756): LLAPEDVISC[Cys746Phe]LDLSVPSISF

ClinVar aggregate classification (germline): Uncertain significance (1 of 4 stars; one submission).

Conditions:
Malignant hyperthermia, susceptibility to, 1 (MHS1). Also called: Anesthesia related hyperthermia; Malignant hyperpyrexia; Fulminating hyperpyrexia; Pharmacogenic myopathy; RYR1-Related Malignant Hyperthermia Susceptibility; Malignant hyperthermia suceptibility 1. Identifiers: Orphanet 423, MedGen C2930980, MONDO:0007783, OMIM 145600.

gnomAD v4.1: 1 of 1,614,182 alleles (0.000062%); highest among the groups gnomAD compares: East Asian, 0.0022%; no homozygotes.

Submission:

All of Us Research Program, National Institutes of Health
Classification: Uncertain significance for Malignant hyperthermia, susceptibility to, 1. Last evaluated: 2023-06-28. Review status: criteria provided, single submitter. Criteria: ACMG Guidelines, 2015. Collection method: clinical testing. Allele origin: germline. Inheritance: Autosomal dominant inheritance. Observed: 1 variant allele, 1 heterozygote.
Comment: This study involves interpretation of variants in research participants for the purpose of population health screening. Participant phenotype was not available at the time of variant classification. Additional details can be found in publication PMID: 35346344, PMCID: PMC8962531